The following is an entry in ClinVar:

NM_032776.3(JMJD1C):c.6166G>C (p.Val2056Leu)

Gene: JMJD1C (jumonji domain containing 1C; minus strand). Cytogenetic location: 10q21.3.
Variant type: single nucleotide variant.
Coding change: c.6166G>C on transcript NM_032776.3 (MANE Select); coding-DNA position 6166, G replaced by C.
Protein change: p.Val2056Leu; replaces valine 2056 with leucine.
Molecular consequence: missense variant. On other transcripts: non-coding transcript variant (1).
Genome position (GRCh38, 1-based): chr10:63,191,019, C>G on the plus strand (G>C on the coding strand, the complement: JMJD1C is on the minus strand). VCF-style: chr10-63191019-C-G. GRCh37 (hg19) VCF-style: chr10-64950779-C-G.
Other names: c.5620G>C, p.Val1874Leu (NM_001282948.2, NM_001318154.2); c.5302G>C, p.Val1768Leu (NM_001318153.2); c.6052G>C, p.Val2018Leu (NM_001322252.2); c.5509G>C, p.Val1837Leu (NM_001322254.2, NM_001322258.2); short protein forms V1837L, V2056L, V2018L, V1768L, V1874L.
Identifiers: ClinVar variation 1398306 (VCV001398306.8), dbSNP rs2132977539, ClinGen allele CA377024887.

ClinVar aggregate classification (germline): Uncertain significance (1 of 4 stars; one submission).

Conditions:
Early Myoclonic Encephalopathy. Identifiers: MedGen C0270855.

Submission:

Labcorp Genetics (formerly Invitae), Labcorp
Classification: Uncertain significance for Early Myoclonic Encephalopathy. Last evaluated: 2020-12-19. Review status: criteria provided, single submitter. Criteria: Invitae Variant Classification Sherloc (09022015). Collection method: clinical testing. Allele origin: germline.
Comment: In summary, the available evidence is currently insufficient to determine the role of this variant in disease. Therefore, it has been classified as a Variant of Uncertain Significance. Algorithms developed to predict the effect of missense changes on protein structure and function (SIFT, PolyPhen-2, Align-GVGD) all suggest that this variant is likely to be tolerated, but these predictions have not been confirmed by published functional studies and their clinical significance is uncertain. This variant has not been reported in the literature in individuals with JMJD1C-related conditions. This variant is not present in population databases (ExAC no frequency). This sequence change replaces valine with leucine at codon 2056 of the JMJD1C protein (p.Val2056Leu). The valine residue is weakly conserved and there is a small physicochemical difference between valine and leucine.